The following is an entry in ClinVar:

NM_001184880.2(PCDH19):c.1372T>C (p.Tyr458His)

Gene: PCDH19 (protocadherin 19; minus strand). Cytogenetic location: Xq22.1.
Variant type: single nucleotide variant.
Coding change: c.1372T>C on transcript NM_001184880.2 (MANE Select); coding-DNA position 1372, T replaced by C.
Protein change: p.Tyr458His; replaces tyrosine 458 with histidine.
Molecular consequence: missense variant.
Genome position (GRCh38, 1-based): chrX:100,407,226, A>G on the plus strand (T>C on the coding strand, the complement: PCDH19 is on the minus strand). VCF-style: chrX-100407226-A-G. GRCh37 (hg19) VCF-style: chrX-99662224-A-G.
Other names: c.1372T>C, p.Tyr458His (NM_001105243.2, NM_020766.3); short protein forms Y458H.
Identifiers: ClinVar variation 420879 (VCV000420879.2), dbSNP rs1064794762, ClinGen allele CA16621148.

ClinVar aggregate classification (germline): Likely pathogenic (1 of 4 stars; one submission).

Submission:

GeneDx
Classification: Likely pathogenic. Last evaluated: 2016-08-25. Review status: criteria provided, single submitter. Criteria: GeneDx Variant Classification (06012015). Collection method: clinical testing. Allele origin: germline. Affected: yes.
Comment: A Y458H variant that is likely pathogenic has been identified in the PCDH19 gene. The Y458H variant has not been published as a pathogenic variant, nor has it been reported as a benign variant to our knowledge. It was not observed in approximately 6,300 individuals of European and African American ancestry in the NHLBI Exome Sequencing Project, indicating it is not a common benign variant in these populations. The Y458H variant is a non-conservative amino acid substitution, which is likely to impact secondary protein structure as these residues differ in polarity, charge, size and/or other properties. Additionally, this substitution occurs at a position that is conserved across species, and in silico analysis predicts this variant is probably damaging to the protein structure/function. Additionally, targeted parental test results indicate the Y458H variant is apparently de novo. Therefore, we now interpret Y458H as a likely pathogenic variant; however, the possibility that it is benign cannot be excluded.